The following is an entry in ClinVar:

ClinVar aggregate classification (germline): Uncertain significance (1 of 4 stars; one submission).

Conditions:
Mitochondrial complex V (ATP synthase) deficiency, nuclear type 2. Also called: Nuclear-Encoded ATPase Deficiency, TMEM70-Related; ENCEPHALOCARDIOMYOPATHY, MITOCHONDRIAL, NEONATAL, DUE TO ATP SYNTHASE DEFICIENCY; MITOCHONDRIAL COMPLEX V (ATP SYNTHASE) DEFICIENCY, TMEM70 TYPE. Identifiers: Orphanet 1194, MedGen C3279699, MONDO:0013546, OMIM 614052.

Submission:

Labcorp Genetics (formerly Invitae), Labcorp
Classification: Uncertain significance for Mitochondrial complex V (ATP synthase) deficiency, nuclear type 2. Last evaluated: 2022-05-04. Review status: criteria provided, single submitter. Criteria: Invitae Variant Classification Sherloc (09022015). Collection method: clinical testing. Allele origin: germline.
Comment: In summary, the available evidence is currently insufficient to determine the role of this variant in disease. Therefore, it has been classified as a Variant of Uncertain Significance. Algorithms developed to predict the effect of missense changes on protein structure and function output the following: SIFT: "Tolerated"; PolyPhen-2: "Benign"; Align-GVGD: "Class C0". The glutamic acid amino acid residue is found in multiple mammalian species, which suggests that this missense change does not adversely affect protein function. This variant has not been reported in the literature in individuals affected with TMEM70-related conditions. This variant is not present in population databases (gnomAD no frequency). This sequence change replaces aspartic acid, which is acidic and polar, with glutamic acid, which is acidic and polar, at codon 259 of the TMEM70 protein (p.Asp259Glu).

NM_017866.6(TMEM70):c.777C>A (p.Asp259Glu)

Gene: TMEM70 (transmembrane protein 70; plus strand). Cytogenetic location: 8q21.11.
Variant type: single nucleotide variant.
Coding change: c.777C>A on transcript NM_017866.6 (MANE Select); coding-DNA position 777, C replaced by A.
Protein change: p.Asp259Glu; replaces aspartic acid 259 with glutamic acid.
Molecular consequence: missense variant. On other transcripts: 3 prime UTR variant (1), non-coding transcript variant (1).
Genome position (GRCh38, 1-based): chr8:73,981,615, C>A. VCF-style: chr8-73981615-C-A. GRCh37 (hg19) VCF-style: chr8-74893850-C-A.
Other names: c.*467C>A (NM_001040613.3); short protein forms D259E.
Identifiers: ClinVar variation 2133332 (VCV002133332.3), dbSNP rs1053077, ClinGen allele CA371490732.